The following is an entry in ClinVar:

ClinVar aggregate classification (germline): Uncertain significance. Review status: criteria provided, multiple submitters, no conflicts (2 of 4 stars). 2 submissions from 2 submitters: Uncertain significance (2). Last evaluated 2024-11-09.

Conditions:
Inborn genetic diseases. Identifiers: MedGen C0950123, MeSH D030342.
Hyperekplexia 3 (HKPX3). Also called: HYPEREKPLEXIA 3, AUTOSOMAL RECESSIVE; HYPEREKPLEXIA 3, AUTOSOMAL DOMINANT. Identifiers: Orphanet 3197, MedGen C3553288, MONDO:0013827, OMIM 614618.

Allele frequency attached by ClinVar (database versions not stated): gnomAD exomes below 0.00001.
gnomAD v4.1: 1 of 1,614,132 alleles (0.000062%); highest among the groups gnomAD compares: Non-Finnish European, 0.000085%; no homozygotes.

Submissions (2):

Ambry Genetics
Classification: Uncertain significance for Inborn genetic diseases. Last evaluated: 2024-11-09. Review status: criteria provided, single submitter. Criteria: Ambry Variant Classification Scheme 2023. Collection method: clinical testing. Allele origin: germline.

Labcorp Genetics (formerly Invitae), Labcorp
Classification: Uncertain significance for Hyperekplexia 3. Last evaluated: 2022-07-16. Review status: criteria provided, single submitter. Criteria: Invitae Variant Classification Sherloc (09022015). Collection method: clinical testing. Allele origin: germline.
Comment: In summary, the available evidence is currently insufficient to determine the role of this variant in disease. Therefore, it has been classified as a Variant of Uncertain Significance. Advanced modeling of protein sequence and biophysical properties (such as structural, functional, and spatial information, amino acid conservation, physicochemical variation, residue mobility, and thermodynamic stability) performed at Invitae indicates that this missense variant is not expected to disrupt SLC6A5 protein function. ClinVar contains an entry for this variant (Variation ID: 1518005). This variant has not been reported in the literature in individuals affected with SLC6A5-related conditions. This variant is not present in population databases (gnomAD no frequency). This sequence change replaces isoleucine, which is neutral and non-polar, with leucine, which is neutral and non-polar, at codon 486 of the SLC6A5 protein (p.Ile486Leu).

NM_004211.5(SLC6A5):c.1456A>C (p.Ile486Leu)

Gene: SLC6A5 (solute carrier family 6 member 5; plus strand). Cytogenetic location: 11p15.1.
Variant type: single nucleotide variant.
Coding change: c.1456A>C on transcript NM_004211.5 (MANE Select); coding-DNA position 1456, A replaced by C.
Protein change: p.Ile486Leu; replaces isoleucine 486 with leucine.
Molecular consequence: missense variant.
Genome position (GRCh38, 1-based): chr11:20,628,040, A>C. VCF-style: chr11-20628040-A-C. GRCh37 (hg19) VCF-style: chr11-20649586-A-C.
Other names: c.1456A>C (NM_004211.3); c.754A>C, p.Ile252Leu (NM_001318369.2); short protein forms I252L, I486L.
Identifiers: ClinVar variation 1518005 (VCV001518005.7), dbSNP rs1853034705, ClinGen allele CA379917288.